The following is an entry in ClinVar:

NM_003036.4(SKI):c.1998+6C>A

Gene: SKI (SKI proto-oncogene; plus strand). Cytogenetic location: 1p36.32.
Variant type: single nucleotide variant.
Coding change: c.1998+6C>A on transcript NM_003036.4 (MANE Select); 6 bases into the intron after coding-DNA position 1998, C replaced by A.
Molecular consequence: intron variant.
Genome position (GRCh38, 1-based): chr1:2,306,256, C>A. VCF-style: chr1-2306256-C-A. GRCh37 (hg19) VCF-style: chr1-2237695-C-A.
Identifiers: ClinVar variation 4076173 (VCV004076173.1).

ClinVar aggregate classification (germline): Uncertain significance (1 of 4 stars; one submission).

Conditions:
Shprintzen-Goldberg syndrome (SGS). Also called: SHPRINTZEN-GOLDBERG CRANIOSYNOSTOSIS SYNDROME; CRANIOSYNOSTOSIS WITH ARACHNODACTYLY AND ABDOMINAL HERNIAS; Marfanoid disorder with craniosynostosis type 1; Marfanoid craniosynostosis syndrome; Shprintzen-Goldberg marfanoid syndrome. Identifiers: Orphanet 2462, MedGen C1321551, MONDO:0008426, OMIM 182212.

Submission:

Laboratorio de Genetica e Diagnostico Molecular, Hospital Israelita Albert Einstein
Classification: Uncertain significance for Shprintzen-Goldberg syndrome. Last evaluated: 2023-11-30. Review status: criteria provided, single submitter. Criteria: ACMG Guidelines, 2015. Collection method: clinical testing. Allele origin: germline. Affected: yes.
Comment: ACMG classification criteria: PM2 moderate